The following is an entry in ClinVar:

ClinVar aggregate classification (germline): Uncertain significance. Review status: criteria provided, single submitter (1 of 4 stars). 2 submissions from 2 submitters: Uncertain significance (1). 1 of the submissions does not count toward it. Last evaluated 2020-06-04.

Conditions:
KCNA5-related disorder. Also called: KCNA5-related condition.
Atrial fibrillation, familial, 7 (ATFB7). Identifiers: MedGen C2677106, MONDO:0012828, OMIM 612240.

Allele frequency attached by ClinVar (database versions not stated): gnomAD exomes below 0.00001.

Submissions (2):

Labcorp Genetics (formerly Invitae), Labcorp
Classification: Uncertain significance for Atrial fibrillation, familial, 7. Last evaluated: 2020-06-04. Review status: criteria provided, single submitter. Criteria: Invitae Variant Classification Sherloc (09022015). Collection method: clinical testing. Allele origin: germline.
Comment: This sequence change replaces cysteine with glycine at codon 586 of the KCNA5 protein (p.Cys586Gly). The cysteine residue is weakly conserved and there is a large physicochemical difference between cysteine and glycine. In summary, the available evidence is currently insufficient to determine the role of this variant in disease. Therefore, it has been classified as a Variant of Uncertain Significance. Algorithms developed to predict the effect of missense changes on protein structure and function (SIFT, PolyPhen-2, Align-GVGD) all suggest that this variant is likely to be tolerated, but these predictions have not been confirmed by published functional studies and their clinical significance is uncertain. This variant has not been reported in the literature in individuals with KCNA5-related conditions. This variant is not present in population databases (ExAC no frequency).

PreventionGenetics, part of Exact Sciences
Classification: Uncertain significance for KCNA5-related condition. Last evaluated: 2024-02-09. Review status: no assertion criteria provided. Collection method: clinical testing. Allele origin: germline. Not counted in ClinVar's aggregate classification.
Comment: The KCNA5 c.1756T>G variant is predicted to result in the amino acid substitution p.Cys586Gly. To our knowledge, this variant has not been reported in the literature or in a large population database, indicating this variant is rare. At this time, the clinical significance of this variant is uncertain due to the absence of conclusive functional and genetic evidence.

NM_002234.4(KCNA5):c.1756T>G (p.Cys586Gly)

Gene: KCNA5 (potassium voltage-gated channel subfamily A member 5; plus strand). Cytogenetic location: 12p13.32.
Variant type: single nucleotide variant.
Coding change: c.1756T>G on transcript NM_002234.4 (MANE Select); coding-DNA position 1756, T replaced by G.
Protein change: p.Cys586Gly; replaces cysteine 586 with glycine.
Molecular consequence: missense variant.
Genome position (GRCh38, 1-based): chr12:5,045,903, T>G. VCF-style: chr12-5045903-T-G. GRCh37 (hg19) VCF-style: chr12-5155069-T-G.
Other names: c.1756T>G (NM_002234.3); short protein forms C586G.
Identifiers: ClinVar variation 1017278 (VCV001017278.10), dbSNP rs1862773506, ClinGen allele CA383467149.
Genomic context (GRCh38, chr12:5,045,903, plus strand): 5'-GCTGGGGGGACCCTGGAGAATGCAGACAGTGCCCGAAGGGGCAGCTGCCCCCTAGAGAAG[T>G]GTAACGTCAAGGCCAAGAGCAACGTGGACTTGCGGAGGTCCCTTTATGCCCTCTGCCTGG-3'
Protein context (NP_002225.2, residues 576-596): ARRGSCPLEK[Cys586Gly]NVKAKSNVDL